The following is an entry in ClinVar:

NM_014795.4(ZEB2):c.1733C>A (p.Ser578Tyr)

Gene: ZEB2 (zinc finger E-box binding homeobox 2; minus strand). Cytogenetic location: 2q22.3.
Variant type: single nucleotide variant.
Coding change: c.1733C>A on transcript NM_014795.4 (MANE Select); coding-DNA position 1733, C replaced by A.
Protein change: p.Ser578Tyr; replaces serine 578 with tyrosine.
Molecular consequence: missense variant.
Genome position (GRCh38, 1-based): chr2:144,399,454, G>T on the plus strand (C>A on the coding strand, the complement: ZEB2 is on the minus strand). VCF-style: chr2-144399454-G-T. GRCh37 (hg19) VCF-style: chr2-145157021-G-T.
Other names: c.1661C>A, p.Ser554Tyr (NM_001171653.2); short protein forms S578Y, S554Y.
Identifiers: ClinVar variation 5006078 (VCV005006078.2).
Genomic context (GRCh38, chr2:144,399,454, plus strand): 5'-TGATGCAAAGGGATGGGGCCAGGAAAACTTTCTTTACAGAACTGGCATGAAAATGGAGTG[G>T]ATATGTTGTGGTTCTCAATCATTTTGTCATCAGTGACCAAATCTATTAAAGTACGTAGCT-3'
Protein context (NP_055610.1, residues 568-588): DDKMIENHNI[Ser578Tyr]TPFSCQFCKE

ClinVar aggregate classification (germline): Uncertain significance (1 of 4 stars; one submission).

Conditions:
Mowat-Wilson syndrome (MOWS). Also called: Classic Mowat-Wilson Syndrome. Identifiers: Orphanet 2152, MedGen C1856113, MONDO:0009341, OMIM 235730.

Submission:

Juno Genomics, Hangzhou Juno Genomics, Inc
Classification: Uncertain significance for Mowat-Wilson syndrome. Review status: criteria provided, single submitter. Criteria: ACMG Guidelines, 2015. Collection method: clinical testing. Allele origin: germline.
Comment: Absent from controls (or at extremely low frequency if recessive) in Genome Aggregation Database.;Missense variant in a gene that has a low rate of benign missense variation.